The following is an entry in ClinVar:

NM_170601.5(SIAE):c.833-3T>A

Gene: SIAE (sialic acid acetylesterase; minus strand). Cytogenetic location: 11q24.2.
Variant type: single nucleotide variant.
Coding change: c.833-3T>A on transcript NM_170601.5 (MANE Select); 3 bases into the intron before coding-DNA position 833, T replaced by A.
Molecular consequence: intron variant.
Genome position (GRCh38, 1-based): chr11:124,647,501, A>T on the plus strand (T>A on the coding strand, the complement: SIAE is on the minus strand). VCF-style: chr11-124647501-A-T. GRCh37 (hg19) VCF-style: chr11-124517397-A-T.
Other names: c.728-3T>A (NM_001199922.2).
Identifiers: ClinVar variation 1475334 (VCV001475334.6), dbSNP rs765544325, ClinGen allele CA6341389.

ClinVar aggregate classification (germline): Uncertain significance (1 of 4 stars; one submission).

Allele frequency attached by ClinVar (database versions not stated): gnomAD exomes below 0.00001; ExAC 0.00001.
gnomAD v4.1: 1 of 1,614,058 alleles (0.000062%); highest among the groups gnomAD compares: Non-Finnish European, 0.000085%; no homozygotes.

Submission:

Labcorp Genetics (formerly Invitae), Labcorp
Classification: Uncertain significance. Last evaluated: 2022-08-16. Review status: criteria provided, single submitter. Criteria: Invitae Variant Classification Sherloc (09022015). Collection method: clinical testing. Allele origin: germline.
Comment: Variants that disrupt the consensus splice site are a relatively common cause of aberrant splicing (PMID: 17576681, 9536098). Algorithms developed to predict the effect of sequence changes on RNA splicing suggest that this variant may disrupt the consensus splice site. ClinVar contains an entry for this variant (Variation ID: 1475334). In summary, the available evidence is currently insufficient to determine the role of this variant in disease. Therefore, it has been classified as a Variant of Uncertain Significance. This variant is present in population databases (rs765544325, gnomAD 0.0009%). This sequence change falls in intron 6 of the SIAE gene. It does not directly change the encoded amino acid sequence of the SIAE protein. It affects a nucleotide within the consensus splice site. This variant has not been reported in the literature in individuals affected with SIAE-related conditions.

Literature cited by the submitters: PubMed 17576681; PubMed 9536098.